The following is an entry in ClinVar:

ClinVar aggregate classification (germline): Uncertain significance. Review status: criteria provided, multiple submitters, no conflicts (2 of 4 stars). 2 submissions from 2 submitters: Uncertain significance (2). Last evaluated 2026-01-23.

Conditions:
T-cell immunodeficiency, congenital alopecia, and nail dystrophy. Also called: Congenital alopecia and nail dystrophy associated with severe functional T-cell immunodeficiency; Pignata Guarino syndrome. Identifiers: Orphanet 169095, MedGen C1866426, MONDO:0011132, OMIM 601705.
Inborn genetic diseases. Identifiers: MedGen C0950123, MeSH D030342.

Allele frequency attached by ClinVar (database versions not stated): gnomAD exomes below 0.00001; gnomAD 0.00001; TOPMed 0.00001.

Submissions (2):

Labcorp Genetics (formerly Invitae), Labcorp
Classification: Uncertain significance for T-cell immunodeficiency, congenital alopecia, and nail dystrophy. Last evaluated: 2026-01-23. Review status: criteria provided, single submitter. Criteria: Invitae Variant Classification Sherloc (09022015). Collection method: clinical testing. Allele origin: germline.
Comment: This sequence change replaces proline, which is neutral and non-polar, with serine, which is neutral and polar, at codon 415 of the FOXN1 protein (p.Pro415Ser). This variant is present in population databases (no rsID available, gnomAD 0.002%). This variant has not been reported in the literature in individuals affected with FOXN1-related conditions. ClinVar contains an entry for this variant (Variation ID: 1020938). Invitae Evidence Modeling of protein sequence and biophysical properties (such as structural, functional, and spatial information, amino acid conservation, physicochemical variation, residue mobility, and thermodynamic stability) indicates that this missense variant is not expected to disrupt FOXN1 protein function with a negative predictive value of 80%. In summary, the available evidence is currently insufficient to determine the role of this variant in disease. Therefore, it has been classified as a Variant of Uncertain Significance.

Ambry Genetics
Classification: Uncertain significance for Inborn genetic diseases. Last evaluated: 2022-08-02. Review status: criteria provided, single submitter. Criteria: Ambry Variant Classification Scheme 2023. Collection method: clinical testing. Allele origin: germline.

NM_001369369.1(FOXN1):c.1243C>T (p.Pro415Ser)

Gene: FOXN1 (forkhead box N1; plus strand). Cytogenetic location: 17q11.2.
Variant type: single nucleotide variant.
Coding change: c.1243C>T on transcript NM_001369369.1 (MANE Select); coding-DNA position 1243, C replaced by T.
Protein change: p.Pro415Ser; replaces proline 415 with serine.
Molecular consequence: missense variant.
Genome position (GRCh38, 1-based): chr17:28,534,814, C>T. VCF-style: chr17-28534814-C-T. GRCh37 (hg19) VCF-style: chr17-26861832-C-T.
Other names: c.1243C>T, p.Pro415Ser (NM_003593.3); c.1243C>T (NM_003593.2); short protein forms P415S.
Identifiers: ClinVar variation 1020938 (VCV001020938.5), dbSNP rs1242844584, ClinGen allele CA398325653.